The following is an entry in ClinVar:

NM_017617.5(NOTCH1):c.1754C>T (p.Ala585Val)

Gene: NOTCH1 (notch receptor 1; minus strand). Cytogenetic location: 9q34.3.
Variant type: single nucleotide variant.
Coding change: c.1754C>T on transcript NM_017617.5 (MANE Select); coding-DNA position 1754, C replaced by T.
Protein change: p.Ala585Val; replaces alanine 585 with valine.
Molecular consequence: missense variant.
Genome position (GRCh38, 1-based): chr9:136,515,632, G>A on the plus strand (C>T on the coding strand, the complement: NOTCH1 is on the minus strand). VCF-style: chr9-136515632-G-A. GRCh37 (hg19) VCF-style: chr9-139410084-G-A.
Other names: c.1754C>T, p.Ala585Val (LRG_1122t1); short protein forms A585V.
Identifiers: ClinVar variation 134908 (VCV000134908.1), dbSNP rs587778557, ClinGen allele CA161143.

ClinVar aggregate classification (germline): not provided (0 of 4 stars; one submission).

Submission:

ITMI
No classification provided. Condition: AllHighlyPenetrant. Last evaluated: 2013-09-19. Review status: no classification provided. Collection method: reference population. Allele origin: germline.
Comment: Please see associated publication for description of ethnicities

Literature cited by the submitters: PubMed 24728327.